The following is an entry in ClinVar:

NM_003900.5(SQSTM1):c.*83G>A

Gene: SQSTM1 (sequestosome 1; plus strand). Cytogenetic location: 5q35.3.
Variant type: single nucleotide variant.
Coding change: c.*83G>A on transcript NM_003900.5 (MANE Select); 83 bases downstream of the stop codon, G replaced by A.
Molecular consequence: 3 prime UTR variant.
Genome position (GRCh38, 1-based): chr5:179,836,676, G>A. VCF-style: chr5-179836676-G-A. GRCh37 (hg19) VCF-style: chr5-179263676-G-A.
Other names: c.*83G>A (NM_001142298.2, NM_001142299.2).
Identifiers: ClinVar variation 353168 (VCV000353168.6), dbSNP rs155790, ClinGen allele CA3600927.
Genomic context (GRCh38, chr5:179,836,676, plus strand): 5'-CGTGCCCCTCTTCTGTCTCATAGTTGTGTTAAGCTTGCGTAGAATTGCAGGTCTCTGTAC[G>A]GGCCAGTTTCTCTGCCTTCTTCCAGGATCAGGGGTTAGGGTGCAAGAAGCCATTTAGGGC-3'

ClinVar aggregate classification (germline): Likely benign. Review status: criteria provided, multiple submitters, no conflicts (2 of 4 stars). 2 submissions from 2 submitters: Likely benign (2). Last evaluated 2018-01-13.

Conditions:
Paget disease of bone 3. Identifiers: MedGen C4085252, MONDO:0008176, OMIM 167250.

Allele frequency attached by ClinVar (database versions not stated): 1000 Genomes Project 0.00300; 1000 Genomes Project 30x 0.00359; TOPMed 0.00503; ExAC 0.00529; gnomAD exomes 0.00558; gnomAD 0.00570 and 0.00589.
gnomAD v4.1: 12,743 of 1,599,608 alleles (0.8%); highest among the groups gnomAD compares: Non-Finnish European, 0.95%; 56 homozygotes.

Submissions (2):

Illumina Laboratory Services, Illumina
Classification: Likely benign for Paget disease of bone 3. Last evaluated: 2018-01-13. Review status: criteria provided, single submitter. Criteria: ICSL Variant Classification Criteria 13 December 2019. Collection method: clinical testing. Allele origin: germline.
Comment: This variant was observed in the ICSL laboratory as part of a predisposition screen in an ostensibly healthy population. It had not been previously curated by ICSL or reported in the Human Gene Mutation Database (HGMD: prior to June 1st, 2018), and was therefore a candidate for classification through an automated scoring system. Utilizing variant allele frequency, disease prevalence and penetrance estimates, and inheritance mode, an automated score was calculated to assess if this variant is too frequent to cause the disease. Based on the score and internal cut-off values, a variant classified as likely benign is not then subjected to further curation. The score for this variant resulted in a classification of likely benign for this disease.

Breakthrough Genomics
Classification: Likely benign. Review status: criteria provided, single submitter. Criteria: ACMG Guidelines, 2015. Collection method: not provided. Allele origin: germline. Inheritance: Autosomal recessive inheritance. Affected: yes.